The following is an entry in ClinVar:

GRCh38/hg38 7q11.23(chr7:76584731-76994096)x3

Genes: LINC03009 (long intergenic non-protein coding RNA 3009; plus strand), POMZP3 (POM121 and ZP3 fusion; minus strand), LOC108228209 (7q11.23 distal recombination region; plus strand), LOC126860076 (CDK7 strongly-dependent group 2 enhancer GRCh37_chr7:76357185-76358384; plus strand), LOC129389817 (MPRA-validated peak6614 silencer; plus strand) and 1 more. Cytogenetic location: 7q11.23.
Variant type: copy number gain.
Change: copy number 3 (three copies instead of two) of chr7:76,584,731-76,994,096 (409.4 kb, GRCh38 coordinates, 1-based), cytogenetic band 7q11.23.
Identifiers: ClinVar variation 145465 (VCV000145465.2).

ClinVar aggregate classification (germline): Benign/Likely benign (0 of 4 stars; one submission).

Submission:

ISCA site 4
Classification: Benign/Likely benign. Last evaluated: 2012-09-21. Review status: no assertion criteria provided. Collection method: clinical testing. Allele origin: unknown. Affected: yes. Observed: 4 variant alleles. Clinical features observed: Developmental delay AND/OR other significant developmental or morphological phenotypes, Myopathy (HP:0003198), Microcephaly (HP:0000252), Abnormal facial shape (HP:0001999).
Comment: Likely benign (2), Benign (2)

Copy number variation identified through the course of routine clinical cytogenomic testing in postnatal populations, with clinical assertions as classified by the original submitter.